The following is an entry in ClinVar:

ClinVar aggregate classification (germline): Pathogenic (1 of 4 stars; one submission).

Conditions:
Neuromuscular disease caused by qualitative or quantitative defects of dystrophin. Also called: Qualitative or quantitative defects of dystrophin. Identifiers: Orphanet 207085, MedGen C5679787, MONDO:0016147.

Submission:

Women's Health and Genetics/Laboratory Corporation of America, LabCorp
Classification: Pathogenic for Neuromuscular disease caused by qualitative or quantitative defects of dystrophin. Last evaluated: 2023-03-16. Review status: criteria provided, single submitter. Criteria: LabCorp Variant Classification Summary - May 2015. Collection method: clinical testing. Allele origin: germline.
Comment: Variant summary: The variant identified by MLPA or other technology involves the deletion of exons 45-53 in the DMD gene. A presumed nomenclature of c.(6438+1_6439-1)_(7872+1_7873-1)del has been designated for the purposes of this classification. Although exact breakpoints of this deletion are not known, it is expected to result in a large in-frame deletion change in the DMD gene, a known mechanism of disease. The variant was absent in 16120 control chromosomes. c.(6438+1_6439-1)_(7872+1_7873-1)del has been reported in the literature in individuals affected with Dystrophinopathies. At least one clinical diagnostic laboratory has submitted clinical-significance assessments for similar deletion to ClinVar after 2014 and classified the variant as pathogenic. Based on the evidence outlined above, the variant was classified as pathogenic.

Literature cited by the submitters: PubMed 25972034.

NC_000023.10:g.(31676262_31697491)_(31986632_32235032)del

Gene: DMD (dystrophin; minus strand). Cytogenetic location: Xp21.1.
Variant type: Deletion.
Identifiers: ClinVar variation 2501153 (VCV002501153.1).